The following is an entry in ClinVar:

ClinVar aggregate classification (germline): Likely benign. Review status: criteria provided, multiple submitters, no conflicts (2 of 4 stars). 3 submissions from 3 submitters: Likely benign (2). 1 of the submissions does not count toward it. Last evaluated 2026-06-01.

Conditions:
VPS13D-related disorder. Also called: VPS13D-related condition.

Allele frequency attached by ClinVar (database versions not stated): gnomAD exomes 0.00001 and 0.00002; TOPMed 0.00001; ExAC 0.00002; gnomAD 0.00002; ESP Exome Variant Server 0.00008.
gnomAD v4.1: 21 of 1,613,896 alleles (0.0013%); highest among the groups gnomAD compares: African/African-American, 0.0027%; no homozygotes.

Submissions (3):

CeGaT Center for Human Genetics Tuebingen
Classification: Likely benign. Last evaluated: 2026-06-01. Review status: criteria provided, single submitter. Criteria: CeGaT Center For Human Genetics Tuebingen Variant Classification Criteria Version 2. Collection method: clinical testing. Allele origin: germline. Affected: yes. Observed: 2 variant alleles.
Comment: VPS13D: BP4, BP7

Labcorp Genetics (formerly Invitae), Labcorp
Classification: Likely benign. Last evaluated: 2025-10-22. Review status: criteria provided, single submitter. Criteria: Invitae Variant Classification Sherloc (09022015). Collection method: clinical testing. Allele origin: germline.

PreventionGenetics, part of Exact Sciences
Classification: Likely benign for VPS13D-related condition. Last evaluated: 2019-03-27. Review status: no assertion criteria provided. Collection method: clinical testing. Allele origin: germline. Not counted in ClinVar's aggregate classification.
Comment: This variant is classified as likely benign based on ACMG/AMP sequence variant interpretation guidelines (Richards et al. 2015 PMID: 25741868, with internal and published modifications).

NM_015378.4(VPS13D):c.6471C>T (p.Val2157=)

Gene: VPS13D (vacuolar protein sorting 13 homolog D; plus strand). Cytogenetic location: 1p36.22.
Variant type: single nucleotide variant.
Coding change: c.6471C>T on transcript NM_015378.4 (MANE Select); coding-DNA position 6471, C replaced by T.
Protein change: p.Val2157=; no amino-acid change (valine 2157 retained).
Molecular consequence: synonymous variant.
Genome position (GRCh38, 1-based): chr1:12,308,462, C>T. VCF-style: chr1-12308462-C-T. GRCh37 (hg19) VCF-style: chr1-12368519-C-T.
Other names: c.6471C>T, p.Val2157= (NM_018156.4); c.6471C>T (NM_015378.3).
Identifiers: ClinVar variation 1595592 (VCV001595592.18), dbSNP rs141926285, ClinGen allele CA602610.